The following is an entry in ClinVar:

NM_198578.4(LRRK2):c.3238G>A (p.Val1080Met)

Gene: LRRK2 (leucine rich repeat kinase 2; plus strand). Cytogenetic location: 12q12.
Variant type: single nucleotide variant.
Coding change: c.3238G>A on transcript NM_198578.4 (MANE Select); coding-DNA position 3238, G replaced by A.
Protein change: p.Val1080Met; replaces valine 1080 with methionine.
Molecular consequence: missense variant.
Genome position (GRCh38, 1-based): chr12:40,298,384, G>A. VCF-style: chr12-40298384-G-A. GRCh37 (hg19) VCF-style: chr12-40692186-G-A.
Other names: short protein forms V1080M.
Identifiers: ClinVar variation 1729261 (VCV001729261.2), dbSNP rs2499746159, ClinGen allele CA384414744.

ClinVar aggregate classification (germline): Uncertain significance (1 of 4 stars; one submission).

Conditions:
Inborn genetic diseases. Identifiers: MedGen C0950123, MeSH D030342.

Submission:

Ambry Genetics
Classification: Uncertain significance for Inborn genetic diseases. Last evaluated: 2021-12-21. Review status: criteria provided, single submitter. Criteria: Ambry Variant Classification Scheme 2023. Collection method: clinical testing. Allele origin: germline.
Comment: The p.V1080M variant (also known as c.3238G>A), located in coding exon 24 of the LRRK2 gene, results from a G to A substitution at nucleotide position 3238. The valine at codon 1080 is replaced by methionine, an amino acid with highly similar properties. This amino acid position is conserved. In addition, this alteration is predicted to be tolerated by in silico analysis. Since supporting evidence is limited at this time, the clinical significance of this alteration remains unclear.